The following is an entry in ClinVar:

NM_003482.4(KMT2D):c.2277A>C (p.Pro759=)

Gene: KMT2D (lysine methyltransferase 2D; minus strand). Cytogenetic location: 12q13.12.
Variant type: single nucleotide variant.
Coding change: c.2277A>C on transcript NM_003482.4 (MANE Select); coding-DNA position 2277, A replaced by C.
Protein change: p.Pro759=; no amino-acid change (proline 759 retained).
Molecular consequence: synonymous variant.
Genome position (GRCh38, 1-based): chr12:49,051,406, T>G on the plus strand (A>C on the coding strand, the complement: KMT2D is on the minus strand). VCF-style: chr12-49051406-T-G. GRCh37 (hg19) VCF-style: chr12-49445189-T-G.
Identifiers: ClinVar variation 4853318 (VCV004853318.1).

ClinVar aggregate classification (germline): Uncertain significance (1 of 4 stars; one submission).

gnomAD v4.1: 1 of 1,602,978 alleles (0.000062%); highest among the groups gnomAD compares: Non-Finnish European, 0.000085%; no homozygotes.

Submission:

Women's Health and Genetics/Laboratory Corporation of America, LabCorp
Classification: Uncertain significance. Last evaluated: 2026-05-11. Review status: criteria provided, single submitter. Criteria: LabCorp Variant Classification Summary - May 2015. Collection method: clinical testing. Allele origin: germline.
Comment: Variant summary: KMT2D c.2277A>C results in a synonymous change. Several computational tools predict a significant impact on normal splicing: Three predict the variant strengthens a 3' acceptor site. One predict the variant no significant impact on splicing. However, these predictions have yet to be confirmed by functional studies. The variant was absent in 242168 control chromosomes. The available data on variant occurrences in the general population are insufficient to allow any conclusion about variant significance. To our knowledge, no occurrence of c.2277A>C in individuals affected with KMT2D-related conditions and no experimental evidence demonstrating its impact on protein function have been reported. No submitters have cited clinical-significance assessments for this variant to ClinVar. Based on the evidence outlined above, the variant was classified as uncertain significance.